The following is an entry in ClinVar:

ClinVar aggregate classification (germline): Benign (0 of 4 stars; one submission).

Conditions:
ATP2C2-related disorder. Also called: ATP2C2-related condition.

Allele frequency attached by ClinVar (database versions not stated): gnomAD exomes 0.37249; ExAC 0.37288; gnomAD 0.38026; TOPMed 0.38751; ESP Exome Variant Server 0.38959; 1000 Genomes Project 30x 0.40662; 1000 Genomes Project 0.40815.
gnomAD v4.1: 602,616 of 1,612,960 alleles (37%); highest among the groups gnomAD compares: African/African-American, 43%; 114,312 homozygotes.

Submission:

PreventionGenetics, part of Exact Sciences
Classification: Benign for ATP2C2-related condition. Last evaluated: 2019-10-17. Review status: no assertion criteria provided. Collection method: clinical testing. Allele origin: germline.
Comment: This variant is classified as benign based on ACMG/AMP sequence variant interpretation guidelines (Richards et al. 2015 PMID: 25741868, with internal and published modifications).

NM_014861.4(ATP2C2):c.1396A>T (p.Met466Leu)

Gene: ATP2C2 (ATPase secretory pathway Ca2+ transporting 2; plus strand). Cytogenetic location: 16q24.1.
Variant type: single nucleotide variant.
Coding change: c.1396A>T on transcript NM_014861.4 (MANE Select); coding-DNA position 1396, A replaced by T.
Protein change: p.Met466Leu; replaces methionine 466 with leucine.
Molecular consequence: missense variant.
Genome position (GRCh38, 1-based): chr16:84,442,594, A>T. VCF-style: chr16-84442594-A-T. GRCh37 (hg19) VCF-style: chr16-84476200-A-T.
Other names: c.1396A>T, p.Met466Leu (NM_001286527.3); c.943A>T, p.Met315Leu (NM_001291454.2); short protein forms M315L, M466L.
Identifiers: ClinVar variation 3056318 (VCV003056318.2), dbSNP rs247897, ClinGen allele CA8207344.